The following is an entry in ClinVar:

NM_001122769.3(LCA5):c.1853C>A (p.Ser618Tyr)

Gene: LCA5 (lebercilin LCA5; minus strand). Cytogenetic location: 6q14.1.
Variant type: single nucleotide variant.
Coding change: c.1853C>A on transcript NM_001122769.3 (MANE Select); coding-DNA position 1853, C replaced by A.
Protein change: p.Ser618Tyr; replaces serine 618 with tyrosine.
Molecular consequence: missense variant.
Genome position (GRCh38, 1-based): chr6:79,487,245, G>T on the plus strand (C>A on the coding strand, the complement: LCA5 is on the minus strand). VCF-style: chr6-79487245-G-T. GRCh37 (hg19) VCF-style: chr6-80196962-G-T.
Other names: c.1853C>A, p.Ser618Tyr (NM_181714.4); short protein forms S618Y.
Identifiers: ClinVar variation 1026573 (VCV001026573.6), dbSNP rs774766999, ClinGen allele CA3900759.

ClinVar aggregate classification (germline): Uncertain significance (1 of 4 stars; one submission).

Allele frequency attached by ClinVar (database versions not stated): ExAC 0.00001; gnomAD exomes below 0.00001.
gnomAD v4.1: 2 of 1,614,070 alleles (0.00012%); highest among the groups gnomAD compares: Non-Finnish European, 0.00017%; no homozygotes.

Submission:

Labcorp Genetics (formerly Invitae), Labcorp
Classification: Uncertain significance. Last evaluated: 2021-08-31. Review status: criteria provided, single submitter. Criteria: Invitae Variant Classification Sherloc (09022015). Collection method: clinical testing. Allele origin: germline.
Comment: This sequence change replaces serine with tyrosine at codon 618 of the LCA5 protein (p.Ser618Tyr). The serine residue is moderately conserved and there is a large physicochemical difference between serine and tyrosine. This variant is present in population databases (rs774766999, ExAC 0.001%). This variant has not been reported in the literature in individuals affected with LCA5-related conditions. Algorithms developed to predict the effect of missense changes on protein structure and function are either unavailable or do not agree on the potential impact of this missense change (SIFT: "Deleterious"; PolyPhen-2: "Probably Damaging"; Align-GVGD: "Class C0"). In summary, the available evidence is currently insufficient to determine the role of this variant in disease. Therefore, it has been classified as a Variant of Uncertain Significance.